The following is an entry in ClinVar:

NM_001134831.2(AHI1):c.400C>A (p.Pro134Thr)

Gene: AHI1 (Abelson helper integration site 1; minus strand). Cytogenetic location: 6q23.3.
Variant type: single nucleotide variant.
Coding change: c.400C>A on transcript NM_001134831.2 (MANE Select); coding-DNA position 400, C replaced by A.
Protein change: p.Pro134Thr; replaces proline 134 with threonine.
Molecular consequence: missense variant.
Genome position (GRCh38, 1-based): chr6:135,466,163, G>T on the plus strand (C>A on the coding strand, the complement: AHI1 is on the minus strand). VCF-style: chr6-135466163-G-T. GRCh37 (hg19) VCF-style: chr6-135787301-G-T.
Other names: c.400C>A, p.Pro134Thr (NM_001134830.2, NM_001134832.2, NM_001350503.2 and 2 more transcripts); short protein forms P134T.
Identifiers: ClinVar variation 957797 (VCV000957797.10), dbSNP rs368077581, ClinGen allele CA365751755.

ClinVar aggregate classification (germline): Uncertain significance (1 of 4 stars; one submission).

Conditions:
Joubert syndrome. Also called: Familial aplasia of the vermis; CEREBELLOPARENCHYMAL DISORDER IV; JOUBERT-BOLTSHAUSER SYNDROME. Identifiers: Orphanet 475, MedGen C5979921, MONDO:0018772.

gnomAD v4.1: 2 of 1,613,832 alleles (0.00012%); highest among the groups gnomAD compares: South Asian, 0.0011%; no homozygotes.

Submission:

Labcorp Genetics (formerly Invitae), Labcorp
Classification: Uncertain significance for Joubert syndrome. Last evaluated: 2019-10-15. Review status: criteria provided, single submitter. Criteria: Invitae Variant Classification Sherloc (09022015). Collection method: clinical testing. Allele origin: germline.
Comment: Algorithms developed to predict the effect of missense changes on protein structure and function (SIFT, PolyPhen-2, Align-GVGD) all suggest that this variant is likely to be tolerated, but these predictions have not been confirmed by published functional studies and their clinical significance is uncertain. In summary, the available evidence is currently insufficient to determine the role of this variant in disease. Therefore, it has been classified as a Variant of Uncertain Significance. Algorithms developed to predict the effect of sequence changes on RNA splicing suggest that this variant may create or strengthen a splice site, but this prediction has not been confirmed by published transcriptional studies. This variant has not been reported in the literature in individuals with AHI1-related conditions. This variant is not present in population databases (ExAC no frequency). This sequence change replaces proline with threonine at codon 134 of the AHI1 protein (p.Pro134Thr). The proline residue is weakly conserved and there is a small physicochemical difference between proline and threonine.